The following is an entry in ClinVar:

ClinVar aggregate classification (germline): Uncertain significance (1 of 4 stars; one submission).

Conditions:
Leukodystrophy, hypomyelinating, 19, transient infantile. Identifiers: MedGen C5231463, MONDO:0032871, OMIM 618688.

Submission:

Victorian Clinical Genetics Services, Murdoch Childrens Research Institute
Classification: Uncertain significance for Leukodystrophy, hypomyelinating, 19, transient infantile. Last evaluated: 2022-02-02. Review status: criteria provided, single submitter. Criteria: ACMG Guidelines, 2015. Collection method: clinical testing. Allele origin: germline. Inheritance: Autosomal dominant inheritance.
Comment: Based on the classification scheme VCGS_Germline_v1.3.4, this variant is classified as VUS-3B. Following criteria are met: 0105 - The mechanism of disease for this gene is not clearly established. However, platch clamp assays are suggestive of loss-of-function (PMID: 31587869). (I) 0107 - This gene is associated with autosomal dominant disease. (I) 0200 - Variant is predicted to result in a missense amino acid change from glutamine to arginine. (I) 0251 - This variant is heterozygous. (I) 0301 - Variant is absent from gnomAD (both v2 and v3). (SP) 0503 - Missense variant consistently predicted to be tolerated by multiple in silico tools or not conserved in placental mammals with a minor amino acid change. (SB) 0600 - Variant is located in the annotated calcium-dependent channel, 7TM region, putative phosphate (DECIPHER, NCBI). (I) 0705 - No comparable missense variants have previous evidence for pathogenicity. (I) 0807 - This variant has no previous evidence of pathogenicity. (I) 0905 - No published segregation evidence has been identified for this variant. (I) 1007 - No published functional evidence has been identified for this variant. (I) 1208 - Inheritance information for this variant is not currently available in this individual. (I) Legend: (SP) - Supporting pathogenic, (I) - Information, (SB) - Supporting benign

Literature cited by the submitters: PubMed 31587869.

NM_014698.3(TMEM63A):c.2009A>G (p.Gln670Arg)

Gene: TMEM63A (transmembrane protein 63A; minus strand). Cytogenetic location: 1q42.12.
Variant type: single nucleotide variant.
Coding change: c.2009A>G on transcript NM_014698.3 (MANE Select); coding-DNA position 2009, A replaced by G.
Protein change: p.Gln670Arg; replaces glutamine 670 with arginine.
Molecular consequence: missense variant.
Genome position (GRCh38, 1-based): chr1:225,849,974, T>C on the plus strand (A>G on the coding strand, the complement: TMEM63A is on the minus strand). VCF-style: chr1-225849974-T-C. GRCh37 (hg19) VCF-style: chr1-226037675-T-C.
Other names: short protein forms Q670R.
Identifiers: ClinVar variation 1699410 (VCV001699410.3), dbSNP rs2102815944, ClinGen allele CA345011323.
Genomic context (GRCh38, chr1:225,849,974, plus strand): 5'-AGGCGCAGGAAGGAAAAGAAGTAGAGCCAGAAGAGGCACAGGATGGGGGCTGCCAAGGCC[T>C]GGTTCACAGCGGCAAAGTGGATCCCCTTCTCCAGCTTGGCTGGGAGGTAGACGAAGTAGA-3'
Protein context (NP_055513.2, residues 660-680): EKGIHFAAVN[Gln670Arg]ALAAPILCLF